The following is an entry in ClinVar:

NM_000390.4(CHM):c.1658A>G (p.Asn553Ser)

Gene: CHM (CHM Rab escort protein; minus strand). Cytogenetic location: Xq21.2.
Variant type: single nucleotide variant.
Coding change: c.1658A>G on transcript NM_000390.4 (MANE Select); coding-DNA position 1658, A replaced by G.
Protein change: p.Asn553Ser; replaces asparagine 553 with serine.
Molecular consequence: missense variant.
Genome position (GRCh38, 1-based): chrX:85,873,164, T>C on the plus strand (A>G on the coding strand, the complement: CHM is on the minus strand). VCF-style: chrX-85873164-T-C. GRCh37 (hg19) VCF-style: chrX-85128169-T-C.
Other names: NC_000023.10:g.85128169T>C; c.1214A>G, p.Asn405Ser (NM_001320959.1, NM_001362517.1, NM_001362518.2 and 1 more transcripts); short protein forms N405S, N553S.
Identifiers: ClinVar variation 2663203 (VCV002663203.2), dbSNP rs1924193172, ClinGen allele CA413786837.

ClinVar aggregate classification (germline): Uncertain significance (1 of 4 stars; one submission).

Allele frequency attached by ClinVar (database versions not stated): TOPMed below 0.00001.

Submissions (3):

GeneDx
Classification: Uncertain significance. Last evaluated: 2023-04-13. Review status: criteria provided, single submitter. Criteria: GeneDx Variant Classification Process June 2021. Collection method: clinical testing. Allele origin: germline. Affected: yes.
Comment: Not observed at significant frequency in large population cohorts (gnomAD); In silico analysis supports that this missense variant has a deleterious effect on protein structure/function; Has not been previously published as pathogenic or benign to our knowledge

Dr. Peter K. Rogan Lab, Western University
No classification provided (evidence only). Condition: Nonpapillary renal cell carcinoma. Review status: no classification provided. Collection method: in vitro. Allele origin: not applicable. Functional consequence: retained intron. Not counted in ClinVar's aggregate classification.

Dr. Peter K. Rogan Lab, Western University
No classification provided (evidence only). Condition: Nonpapillary renal cell carcinoma. Review status: no classification provided. Collection method: in vitro. Allele origin: not applicable. Functional consequence: retained intron. Not counted in ClinVar's aggregate classification.